The following is an entry in ClinVar:

ClinVar aggregate classification (germline): Uncertain significance (1 of 4 stars; one submission).

Conditions:
Diamond-Blackfan anemia. Also called: Blackfan Diamond syndrome; Aregenerative anemia chronic congenital; Red cell aplasia, pure hereditary; Congenital hypoplastic anemia; Aase syndrome. Identifiers: Orphanet 124, MedGen C1260899, MeSH D029503, MONDO:0015253, HP:0004810.

Submission:

Labcorp Genetics (formerly Invitae), Labcorp
Classification: Uncertain significance for Diamond-Blackfan anemia. Last evaluated: 2025-10-12. Review status: criteria provided, single submitter. Criteria: Invitae Variant Classification Sherloc (09022015). Collection method: clinical testing. Allele origin: germline.
Comment: This sequence change replaces serine, which is neutral and polar, with cysteine, which is neutral and slightly polar, at codon 230 of the RPL5 protein (p.Ser230Cys). This variant is not present in population databases (gnomAD no frequency). This variant has not been reported in the literature in individuals affected with RPL5-related conditions. Invitae Evidence Modeling of protein sequence and biophysical properties (such as structural, functional, and spatial information, amino acid conservation, physicochemical variation, residue mobility, and thermodynamic stability) indicates that this missense variant is not expected to disrupt RPL5 protein function with a negative predictive value of 80%. In summary, the available evidence is currently insufficient to determine the role of this variant in disease. Therefore, it has been classified as a Variant of Uncertain Significance.

NM_000969.5(RPL5):c.688A>T (p.Ser230Cys)

Genes: DIPK1A (divergent protein kinase domain 1A; minus strand), RPL5 (ribosomal protein L5; plus strand). Cytogenetic location: 1p22.1.
Variant type: single nucleotide variant.
Coding change: c.688A>T on transcript NM_000969.5 (MANE Select); coding-DNA position 688, A replaced by T.
Protein change: p.Ser230Cys; replaces serine 230 with cysteine.
Molecular consequence: missense variant. On other transcripts: non-coding transcript variant (1), intron variant (1).
Genome position (GRCh38, 1-based): chr1:92,837,616, A>T. VCF-style: chr1-92837616-A-T. GRCh37 (hg19) VCF-style: chr1-93303173-A-T.
Other names: c.475-4582T>A (NM_001252273.2); short protein forms S230C.
Identifiers: ClinVar variation 4744637 (VCV004744637.1).